The following is an entry in ClinVar:

NM_001267550.2(TTN):c.61437_61441dup (p.Thr20481fs)

Genes: TTN (titin; minus strand), TTN-AS1 (TTN antisense RNA 1; plus strand). Cytogenetic location: 2q31.2.
Variant type: Duplication.
Coding change: c.61437_61441dup on transcript NM_001267550.2 (MANE Select); coding-DNA positions 61437 to 61441, 5 bases duplicated (TGTTA; older notation c.61437_61441dupTGTTA).
Protein change: p.Thr20481fs; shifts the reading frame from threonine 20481.
Molecular consequence: frameshift variant.
Genome position (GRCh38, 1-based): chr2:178,590,284-178,590,288, TAACA duplicated on the plus strand (TGTTA on the coding strand, the reverse complement: TTN is on the minus strand); duplicating any 5 consecutive bases within chr2:178,590,284-178,590,289 gives the same sequence; the c. name uses the placement nearest the transcript's 3' end. VCF-style (leftmost placement, unchanged base first): chr2-178590283-G-GTAACA. GRCh37 (hg19) VCF-style: chr2-179455010-G-GTAACA.
Other names: c.61437_61441dupTGTTA (NM_001267550.2); c.56514_56518dup, p.Thr18840fs (NM_001256850.1); c.34242_34246dup, p.Thr11416fs (NM_003319.4); c.53733_53737dup, p.Thr17913fs (NM_133378.4); c.34617_34621dup, p.Thr11541fs (NM_133432.3); c.34818_34822dup, p.Thr11608fs (NM_133437.4); short protein forms T11416fs, T11541fs, T11608fs, T17913fs, T18840fs, T20481fs.
Identifiers: ClinVar variation 3897566 (VCV003897566.2).

ClinVar aggregate classification (germline): Likely pathogenic (1 of 4 stars; one submission).

Conditions:
Dilated cardiomyopathy 1G (CMD1G). Identifiers: Orphanet 154, MedGen C1858763, MONDO:0011400, OMIM 604145.

Submission:

Clinical Genomics Laboratory, Stanford Medicine
Classification: Likely pathogenic for Dilated cardiomyopathy 1G. Last evaluated: 2022-02-11. Review status: criteria provided, single submitter. Criteria: ACMG Guidelines, 2015. Collection method: clinical testing. Allele origin: germline. Inheritance: Autosomal dominant inheritance. Affected: yes. Observed: 1 variant allele, 1 heterozygote.
Comment: The p.Thr20481Metfs*10 variant in the TTN gene has not been previously reported in association with disease. This variant was absent from large population databases, including the Genome Aggregation Database. This variant leads to a premature stop codon in exon 304 of 363 exons, and is therefore predicted to undergo nonsense-mediated decay resulting in a truncated or absent protein. The p.Thr20481Metfs*10 variant is located in the A-band of the titin protein. Loss-of-function variants in the A-band have an established association with dilated cardiomyopathy (PMID:32160020). These data were assessed using the ACMG/AMP variant interpretation guidelines. In summary, there is sufficient evidence to classify the p.Thr20481Metfs*10 variant as likely pathogenic for autosomal dominant dilated cardiomyopathy based on the information above. [ACMG evidence codes used: PVS1_Strong; PM2]

Literature cited by the submitters: PubMed 32160020.